The following is an entry in ClinVar:

NM_002471.4(MYH6):c.4894A>C (p.Ser1632Arg)

Genes: MYH6 (myosin heavy chain 6; minus strand), LOC126861896 (BRD4-independent group 4 enhancer GRCh37_chr14:23854904-23856103; plus strand). Cytogenetic location: 14q11.2.
Variant type: single nucleotide variant.
Coding change: c.4894A>C on transcript NM_002471.4 (MANE Select); coding-DNA position 4894, A replaced by C.
Protein change: p.Ser1632Arg; replaces serine 1632 with arginine.
Molecular consequence: missense variant.
Genome position (GRCh38, 1-based): chr14:23,386,380, T>G on the plus strand (A>C on the coding strand, the complement: MYH6 is on the minus strand). VCF-style: chr14-23386380-T-G. GRCh37 (hg19) VCF-style: chr14-23855589-T-G.
Other names: short protein forms S1632R.
Identifiers: ClinVar variation 4806908 (VCV004806908.1).

ClinVar aggregate classification (germline): Uncertain significance (1 of 4 stars; one submission).

Conditions:
Hypertrophic cardiomyopathy 14. Identifiers: MedGen C2750467, MONDO:0013197, OMIM 613251.

gnomAD v4.1: 1 of 1,614,152 alleles (0.000062%); highest among the groups gnomAD compares: African/African-American, 0.0013%; no homozygotes.

Submission:

Labcorp Genetics (formerly Invitae), Labcorp
Classification: Uncertain significance for Hypertrophic cardiomyopathy 14. Last evaluated: 2025-07-27. Review status: criteria provided, single submitter. Criteria: Invitae Variant Classification Sherloc (09022015). Collection method: clinical testing. Allele origin: germline.
Comment: This sequence change replaces serine, which is neutral and polar, with arginine, which is basic and polar, at codon 1632 of the MYH6 protein (p.Ser1632Arg). This variant is not present in population databases (gnomAD no frequency). This variant has not been reported in the literature in individuals affected with MYH6-related conditions. Invitae Evidence Modeling of protein sequence and biophysical properties (such as structural, functional, and spatial information, amino acid conservation, physicochemical variation, residue mobility, and thermodynamic stability) indicates that this missense variant is expected to disrupt MYH6 protein function with a positive predictive value of 80%. In summary, the available evidence is currently insufficient to determine the role of this variant in disease. Therefore, it has been classified as a Variant of Uncertain Significance.